The following is an entry in ClinVar:

NM_001032382.2(PQBP1):c.-18-69C>T

Genes: PQBP1 (polyglutamine binding protein 1; plus strand), LOC130068256 (ATAC-STARR-seq lymphoblastoid active region 29617; plus strand). Cytogenetic location: Xp11.23.
Variant type: single nucleotide variant.
Coding change: c.-18-69C>T on transcript NM_001032382.2 (MANE Select); 69 bases into the intron before 18 bases upstream of the start codon, C replaced by T.
Molecular consequence: intron variant. On other transcripts: 5 prime UTR variant (1).
Genome position (GRCh38, 1-based): chrX:48,898,423, C>T. VCF-style: chrX-48898423-C-T. GRCh37 (hg19) VCF-style: chrX-48755706-C-T.
Other names: NC_000023.10:g.48755706C>T; c.-87C>T (NM_005710.2); c.-18-69C>T (NM_001032383.2, NM_144495.3, NM_001032381.2 and 3 more transcripts).
Identifiers: ClinVar variation 368452 (VCV000368452.6), dbSNP rs150603792, ClinGen allele CA10646234.

ClinVar aggregate classification (germline): Benign (1 of 4 stars; one submission).

Conditions:
Renpenning syndrome. Also called: MENTAL RETARDATION, X-LINKED 55; MENTAL RETARDATION, X-LINKED, SYNDROMIC 8; SUTHERLAND-HAAN X-LINKED MENTAL RETARDATION SYNDROME; Mental retardation, X-linked Renpenning type; X-linked mental retardation with spastic diplegia; X-linked mental retardation syndromic 3. Identifiers: Orphanet 3242, MedGen C0796135, MONDO:0010653, OMIM 309500.

Allele frequency attached by ClinVar (database versions not stated): 1000 Genomes Project 30x 0.00125; 1000 Genomes Project 0.00159; TOPMed 0.00209; gnomAD 0.00220 and 0.00229; gnomAD exomes 0.00288.
gnomAD v4.1: 2,742 of 982,613 alleles (0.28%); highest among the groups gnomAD compares: Non-Finnish European, 0.29%; 5 homozygotes.

Submissions (2):

Illumina Laboratory Services, Illumina
Classification: Benign for Renpenning syndrome. Last evaluated: 2018-01-13. Review status: criteria provided, single submitter. Criteria: ICSL Variant Classification Criteria 13 December 2019. Collection method: clinical testing. Allele origin: germline.
Comment: This variant was observed in the ICSL laboratory as part of a predisposition screen in an ostensibly healthy population. It had not been previously curated by ICSL or reported in the Human Gene Mutation Database (HGMD: prior to June 1st, 2018), and was therefore a candidate for classification through an automated scoring system. Utilizing variant allele frequency, disease prevalence and penetrance estimates, and inheritance mode, an automated score was calculated to assess if this variant is too frequent to cause the disease. Based on the score and internal cut-off values, a variant classified as benign is not then subjected to further curation. The score for this variant resulted in a classification of benign for this disease.

Dr. Peter K. Rogan Lab, Western University
No classification provided (evidence only). Condition: Nonpapillary renal cell carcinoma. Review status: no classification provided. Collection method: in vitro. Allele origin: not applicable. Functional consequence: retained intron. Not counted in ClinVar's aggregate classification.